The following is an entry in ClinVar:

NM_002529.4(NTRK1):c.2308C>T (p.Gln770Ter)

Gene: NTRK1 (neurotrophic receptor tyrosine kinase 1; plus strand). Cytogenetic location: 1q23.1.
Variant type: single nucleotide variant.
Coding change: c.2308C>T on transcript NM_002529.4 (MANE Select); coding-DNA position 2308, C replaced by T.
Protein change: p.Gln770Ter; replaces glutamine 770 with a stop codon.
Molecular consequence: nonsense.
Genome position (GRCh38, 1-based): chr1:156,881,559, C>T. VCF-style: chr1-156881559-C-T. GRCh37 (hg19) VCF-style: chr1-156851351-C-T.
Other names: c.2200C>T, p.Gln734Ter (NM_001007792.1); c.2290C>T, p.Gln764Ter (NM_001012331.2); short protein forms Q764*, Q734*, Q770*.
Identifiers: ClinVar variation 637367 (VCV000637367.5), dbSNP rs764816792, ClinGen allele CA1169629.

ClinVar aggregate classification (germline): Pathogenic. Review status: criteria provided, single submitter (1 of 4 stars). 2 submissions from 2 submitters: Pathogenic (1). 1 of the submissions does not count toward it. Last evaluated 2024-09-30.

Conditions:
Hereditary insensitivity to pain with anhidrosis (CIPA). Also called: NTRK1 Congenital Insensitivity to Pain with Anhidrosis; NEUROPATHY, CONGENITAL SENSORY, WITH ANHIDROSIS; HSAN Type IV; hereditary sensory and autonomic neuropathy type 4; FAMILIAL DYSAUTONOMIA, TYPE II; INSENSITIVITY TO PAIN, CONGENITAL, WITH ANHIDROSIS. Identifiers: Orphanet 642, MedGen C0020074, MONDO:0009746, OMIM 256800.
Charcot-Marie-Tooth disease. Also called: Charcot-Marie-Tooth Hereditary Neuropathy; Charcot-Marie-Tooth Neuropathy. Identifiers: Orphanet 166, MedGen C0007959, MONDO:0015626.

Allele frequency attached by ClinVar (database versions not stated): gnomAD exomes below 0.00001 and 0.00001; TOPMed below 0.00001; ExAC 0.00001.
gnomAD v4.1: 9 of 1,610,826 alleles (0.00056%); highest among the groups gnomAD compares: Non-Finnish European, 0.00076%; no homozygotes.

Submissions (2):

Labcorp Genetics (formerly Invitae), Labcorp
Classification: Pathogenic for Hereditary insensitivity to pain with anhidrosis. Last evaluated: 2024-09-30. Review status: criteria provided, single submitter. Criteria: Invitae Variant Classification Sherloc (09022015). Collection method: clinical testing. Allele origin: germline.
Comment: This sequence change creates a premature translational stop signal (p.Gln764*) in the NTRK1 gene. While this is not anticipated to result in nonsense mediated decay, it is expected to disrupt the last 27 amino acid(s) of the NTRK1 protein. The frequency data for this variant in the population databases is considered unreliable, as metrics indicate poor data quality at this position in the gnomAD database. This premature translational stop signal has been observed in individuals with hereditary sensory and autonomic neuropathy (PMID: 18322713, 28940190). This variant is also known as c.2308C>T(p.Gln770X). ClinVar contains an entry for this variant (Variation ID: 637367). Algorithms developed to predict the effect of sequence changes on RNA splicing suggest that this variant may disrupt the consensus splice site. This variant disrupts a region of the NTRK1 protein in which other variant(s) (p.Arg765Cys) have been determined to be pathogenic (PMID: 27265460, 27676246, 32219930). This suggests that this is a clinically significant region of the protein, and that variants that disrupt it are likely to be disease-causing. For these reasons, this variant has been classified as Pathogenic.

Inherited Neuropathy Consortium
Classification: Uncertain significance for Charcot-Marie-Tooth disease. Review status: no assertion criteria provided. Collection method: literature only. Allele origin: germline. Affected: yes. Not counted in ClinVar's aggregate classification.

Literature cited by the submitters: PubMed 18322713 (cited by Labcorp Genetics (formerly Invitae), Labcorp and Inherited Neuropathy Consortium); PubMed 28940190 (cited by Labcorp Genetics (formerly Invitae), Labcorp); PubMed 27265460 (cited by Labcorp Genetics (formerly Invitae), Labcorp); PubMed 27676246 (cited by Labcorp Genetics (formerly Invitae), Labcorp); PubMed 32219930 (cited by Labcorp Genetics (formerly Invitae), Labcorp).